The following is an entry in ClinVar:

NM_007294.4(BRCA1):c.81-414_81-413dup

Gene: BRCA1 (BRCA1 DNA repair associated; minus strand). Cytogenetic location: 17q21.31.
Variant type: Duplication.
Coding change: c.81-414_81-413dup on transcript NM_007294.4 (MANE Select); 414 bases into the intron before coding-DNA position 81 through 413 bases into the intron before coding-DNA position 81, 2 bases duplicated (AA; older notation c.81-414_81-413dupAA).
Molecular consequence: intron variant.
Genome position (GRCh38, 1-based): chr17:43,116,192-43,116,193, TT duplicated on the plus strand (AA on the coding strand, the reverse complement: BRCA1 is on the minus strand); duplicating any 2 consecutive bases within chr17:43,116,192-43,116,199 gives the same sequence; the c. name uses the placement nearest the transcript's 3' end. VCF-style (leftmost placement, unchanged base first): chr17-43116191-C-CTT. GRCh37 (hg19) VCF-style: chr17-41268208-C-CTT.
Other names: c.-61-414_-61-413dup (NM_001408458.1, NM_001408470.1, NM_001407848.1 and 47 more transcripts); c.-219+9084_-219+9085dup (NM_001407967.1); c.-170+9084_-170+9085dup (NM_001407959.1); c.-8+9084_-8+9085dup (NM_001407931.1, NM_001407747.1); c.-223-414_-223-413dup (NM_001407962.1, NM_001408512.1, NM_001408510.1 and 1 more transcripts); c.-108-414_-108-413dup (NM_001407885.1, NM_001407886.1, NM_001408509.1 and 52 more transcripts); c.-177-414_-177-413dup (NM_001407746.1, NM_001408468.1, NM_001407842.1 and 13 more transcripts); c.-8+7824_-8+7825dup (NM_001408461.1, NM_001407738.1, NM_001407932.1 and 23 more transcripts); and 11 more.
Identifiers: ClinVar variation 264838 (VCV000264838.2), dbSNP rs8176097, ClinGen allele CA10588256.
Genomic context (GRCh38, chr17:43,116,191, plus strand): 5'-CTTTAAGCTCCATAAAGACAAAATTTTCTGCTTATATTTCTTTTGAATTCCTTCCTAGAA[C>CTT]TTTTTTTTGTTTACTGTAAATGCCTTTTTAACTTAATATGGAAAATTTCAAGTATTTCAA-3'

ClinVar aggregate classification (germline): Benign (3 of 4 stars; one submission).

Conditions:
Breast-ovarian cancer, familial, susceptibility to, 1 (BROVCA1). Also called: BRCA1 Hereditary Breast and Ovarian Cancer; OVARIAN CANCER, SUSCEPTIBILITY TO. Identifiers: Orphanet 145, MedGen C2676676, MONDO:0011450, OMIM 604370. Disease mechanism: loss of function.

Submission:

Evidence-based Network for the Interpretation of Germline Mutant Alleles (ENIGMA)
Classification: Benign for Breast-ovarian cancer, familial, susceptibility to, 1. Last evaluated: 2016-09-28. Review status: reviewed by expert panel. Criteria: ENIGMA BRCA1/2 Classification Criteria (2015). Collection method: curation. Allele origin: germline.
Comment: Class 1 not pathogenic based on frequency >1% in an outbred sampleset. Frequency 0.0268 (European), 0.0115 (Admixed American/Latino), derived from 1000 genomes (2013-05-02).